The following is an entry in ClinVar:

NM_000088.4(COL1A1):c.3046-2A>G

Gene: COL1A1 (collagen type I alpha 1 chain; minus strand). Cytogenetic location: 17q21.33.
Variant type: single nucleotide variant.
Coding change: c.3046-2A>G on transcript NM_000088.4 (MANE Select); the canonical splice acceptor site of the intron before coding-DNA position 3046, A replaced by G.
Molecular consequence: splice acceptor variant.
Genome position (GRCh38, 1-based): chr17:50,188,797, T>C on the plus strand (A>G on the coding strand, the complement: COL1A1 is on the minus strand). VCF-style: chr17-50188797-T-C. GRCh37 (hg19) VCF-style: chr17-48266158-T-C.
Identifiers: ClinVar variation 4887822 (VCV004887822.1).

ClinVar aggregate classification (germline): Pathogenic (1 of 4 stars; one submission).

Submission:

GeneDx
Classification: Pathogenic. Last evaluated: 2026-02-11. Review status: criteria provided, single submitter. Criteria: GeneDx Variant Classification Process June 2021. Collection method: clinical testing. Allele origin: germline.
Comment: Damages or destroys the splice acceptor site in intron 41, and is expected to cause abnormal gene splicing; if the splice outcome is exon skip, the loss of the encoded residues in the triple helical region is expected to disrupt normal protein folding and function, and this is an established mechanism of disease (HGMD); Not observed at significant frequency in large population cohorts (gnomAD); This variant is associated with the following publications: (PMID: 25525159, 15241796)